The following is an entry in ClinVar:

ClinVar aggregate classification (germline): Uncertain significance (1 of 4 stars; one submission).

Conditions:
Dyskeratosis congenita, autosomal dominant 2. Identifiers: MedGen C3151443, MONDO:0013521, OMIM 613989.
Idiopathic Pulmonary Fibrosis. Also called: Idiopathic fibrosing alveolitis, chronic form; idiopathic fibrosing alveolitis. Identifiers: Orphanet 2032, MedGen C1800706, MeSH D054990, MONDO:0800504.

Submission:

Labcorp Genetics (formerly Invitae), Labcorp
Classification: Uncertain significance for Dyskeratosis congenita, autosomal dominant 2; Idiopathic Pulmonary Fibrosis. Last evaluated: 2025-09-21. Review status: criteria provided, single submitter. Criteria: Invitae Variant Classification Sherloc (09022015). Collection method: clinical testing. Allele origin: germline.
Comment: This sequence change replaces phenylalanine, which is neutral and non-polar, with valine, which is neutral and non-polar, at codon 708 of the TERT protein (p.Phe708Val). This variant is not present in population databases (gnomAD no frequency). This variant has not been reported in the literature in individuals affected with TERT-related conditions. Invitae Evidence Modeling of protein sequence and biophysical properties (such as structural, functional, and spatial information, amino acid conservation, physicochemical variation, residue mobility, and thermodynamic stability) indicates that this missense variant is expected to disrupt TERT protein function with a positive predictive value of 95%. In summary, the available evidence is currently insufficient to determine the role of this variant in disease. Therefore, it has been classified as a Variant of Uncertain Significance.

NM_198253.3(TERT):c.2122T>G (p.Phe708Val)

Gene: TERT (telomerase reverse transcriptase; minus strand). Cytogenetic location: 5p15.33.
Variant type: single nucleotide variant.
Coding change: c.2122T>G on transcript NM_198253.3 (MANE Select); coding-DNA position 2122, T replaced by G.
Protein change: p.Phe708Val; replaces phenylalanine 708 with valine.
Molecular consequence: missense variant. On other transcripts: non-coding transcript variant (2).
Genome position (GRCh38, 1-based): chr5:1,279,299, A>C on the plus strand (T>G on the coding strand, the complement: TERT is on the minus strand). VCF-style: chr5-1279299-A-C. GRCh37 (hg19) VCF-style: chr5-1279414-A-C.
Other names: c.2122T>G, p.Phe708Val (NM_001193376.3); short protein forms F708V.
Identifiers: ClinVar variation 4783683 (VCV004783683.1).